The following is an entry in ClinVar:

NM_198241.3(EIF4G1):c.4551C>T (p.Asp1517=)

Gene: EIF4G1 (eukaryotic translation initiation factor 4 gamma 1; plus strand). Cytogenetic location: 3q27.1.
Variant type: single nucleotide variant.
Coding change: c.4551C>T on transcript NM_198241.3 (MANE Select); coding-DNA position 4551, C replaced by T.
Protein change: p.Asp1517=; no amino-acid change (aspartic acid 1517 retained).
Molecular consequence: synonymous variant.
Genome position (GRCh38, 1-based): chr3:184,332,019, C>T. VCF-style: chr3-184332019-C-T. GRCh37 (hg19) VCF-style: chr3-184049807-C-T.
Other names: p.Asp1517=; c.4572C>T, p.Asp1524= (NM_001194946.2, NM_001194947.2); c.4431C>T, p.Asp1477= (NM_001291157.2); c.3966C>T, p.Asp1322= (NM_004953.5); c.4554C>T, p.Asp1518= (NM_182917.4); c.4059C>T, p.Asp1353= (NM_198242.3); c.4290C>T, p.Asp1430= (NM_198244.3).
Identifiers: ClinVar variation 774173 (VCV000774173.32), dbSNP rs11559218, ClinGen allele CA2733198.

ClinVar aggregate classification (germline): Benign/Likely benign. Review status: criteria provided, multiple submitters, no conflicts (2 of 4 stars). 6 submissions from 6 submitters: Benign (2); Likely benign (2). 2 of the submissions do not count toward it. Last evaluated 2026-03-01.

Allele frequency attached by ClinVar (database versions not stated): 1000 Genomes Project 30x 0.00234; 1000 Genomes Project 0.00240; TOPMed 0.00487; ExAC 0.00500; gnomAD exomes 0.00509; ESP Exome Variant Server 0.00600.
gnomAD v4.1: 9,331 of 1,614,184 alleles (0.58%); highest among the groups gnomAD compares: Middle Eastern, 1.3%; 37 homozygotes.

Submissions (6):

CeGaT Center for Human Genetics Tuebingen
Classification: Likely benign. Last evaluated: 2026-03-01. Review status: criteria provided, single submitter. Criteria: CeGaT Center For Human Genetics Tuebingen Variant Classification Criteria Version 2. Collection method: clinical testing. Allele origin: germline. Affected: yes. Observed: 5 variant alleles.
Comment: EIF4G1: BP4, BP7, BS2

Mayo Clinic Laboratories, Mayo Clinic
Classification: Likely benign. Last evaluated: 2025-05-02. Review status: criteria provided, single submitter. Criteria: ACMG Guidelines, 2015. Collection method: clinical testing. Allele origin: germline. Observed: 2 variant alleles.
Comment: BS2, BP4, BP7

Labcorp Genetics (formerly Invitae), Labcorp
Classification: Benign. Last evaluated: 2019-12-31. Review status: criteria provided, single submitter. Criteria: Invitae Variant Classification Sherloc (09022015). Collection method: clinical testing. Allele origin: germline.

Breakthrough Genomics
Classification: Benign. Review status: criteria provided, single submitter. Criteria: ACMG Guidelines, 2015. Collection method: not provided. Allele origin: germline. Inheritance: Autosomal dominant inheritance. Affected: yes.

Clinical Genetics DNA and cytogenetics Diagnostics Lab, Erasmus MC, Erasmus Medical Center
Classification: Likely benign. Review status: no assertion criteria provided. Collection method: clinical testing. Allele origin: germline. Affected: yes. Study: VKGL Data-share Consensus. Not counted in ClinVar's aggregate classification.

Genome Diagnostics Laboratory, Amsterdam University Medical Center
Classification: Benign. Review status: no assertion criteria provided. Collection method: clinical testing. Allele origin: germline. Affected: yes. Study: VKGL Data-share Consensus. Not counted in ClinVar's aggregate classification.

Literature cited by the submitters: PubMed 22658323 (cited by Mayo Clinic Laboratories, Mayo Clinic).